The following is an entry in ClinVar:

NM_000169.3(GLA):c.469_470del (p.Gln157fs)

Genes: GLA (galactosidase alpha; minus strand), RPL36A-HNRNPH2 (RPL36A-HNRNPH2 readthrough; plus strand). Cytogenetic location: Xq22.1.
Variant type: Deletion.
Coding change: c.469_470del on transcript NM_000169.3 (MANE Select); coding-DNA positions 469 to 470, 2 bases deleted (CA; older notation c.469_470delCA).
Protein change: p.Gln157fs; shifts the reading frame from glutamine 157.
Molecular consequence: frameshift variant. On other transcripts: non-coding transcript variant (3), intron variant (2).
Genome position (GRCh38, 1-based): chrX:101,401,709-101,401,710, TG deleted on the plus strand (CA on the coding strand, the reverse complement: GLA is on the minus strand). VCF-style (leftmost placement, unchanged base first): chrX-101401708-CTG-C. GRCh37 (hg19) VCF-style: chrX-100656696-CTG-C.
Other names: c.592_593del, p.Gln198fs (NM_001406747.1, NM_001406749.1); c.469_470del, p.Gln157fs (NM_001406748.1); c.300+6252_300+6253del (NM_001199973.2); c.177+9887_177+9888del (NM_001199974.2); short protein forms Q157fs, Q198fs.
Identifiers: ClinVar variation 4086966 (VCV004086966.2).

ClinVar aggregate classification (germline): Pathogenic (1 of 4 stars; one submission).

Conditions:
Fabry disease. Also called: ALPHA-GALACTOSIDASE A DEFICIENCY; ANDERSON-FABRY DISEASE; CERAMIDE TRIHEXOSIDASE DEFICIENCY; GLA DEFICIENCY; HEREDITARY DYSTOPIC LIPIDOSIS; Angiokeratoma corporis diffusum. Identifiers: Orphanet 324, MedGen C0002986, MONDO:0010526, OMIM 301500, HP:0001071. Disease mechanism: Fabry disease is due to inactivating mutations in the X-linked GLA gene resulting in deficiency of the enzyme Alpha Galactosidase-A., loss of function.

Submission:

Genomenon, Inc
Classification: Pathogenic for Fabry disease. Last evaluated: 2026-09-08. Review status: criteria provided, single submitter. Criteria: Genomenon Sequence Variant Interpretation Standards - Updated. Collection method: curation. Allele origin: germline. Affected: yes.
Comment: GLA p.Gln157AspfsTer4 (c.469_470del) is a frameshift variant that is predicted to introduce a premature termination codon and result in a truncated or absent protein product. This variant has been observed in at least one proband with clinical features consistent with Fabry disease (PMID:22551898). It is absent or not present at a significant frequency in gnomAD. In conclusion, we classify GLA p.Gln157AspfsTer4 (c.469_470del) as a pathogenic variant.

Literature cited by the submitters: PubMed 22551898.